The following is an entry in ClinVar:

NM_000059.4(BRCA2):c.5487G>T (p.Leu1829Phe)

Gene: BRCA2 (BRCA2 DNA repair associated; plus strand). Cytogenetic location: 13q13.1.
Variant type: single nucleotide variant.
Coding change: c.5487G>T on transcript NM_000059.4 (MANE Select); coding-DNA position 5487, G replaced by T.
Protein change: p.Leu1829Phe; replaces leucine 1829 with phenylalanine.
Molecular consequence: missense variant.
Genome position (GRCh38, 1-based): chr13:32,339,842, G>T. VCF-style: chr13-32339842-G-T. GRCh37 (hg19) VCF-style: chr13-32913979-G-T.
Other names: short protein forms L1829F.
Identifiers: ClinVar variation 224465 (VCV000224465.27), dbSNP rs779967765, ClinGen allele CA6940879.

ClinVar aggregate classification (germline): Conflicting classifications of pathogenicity. Review status: criteria provided, conflicting classifications (1 of 4 stars). 11 submissions from 11 submitters: Uncertain significance (6); Likely benign (3). 2 of the submissions do not count toward it. Last evaluated 2026-01-27.

Conditions:
BRCA2-related cancer predisposition. Identifiers: MedGen CN377758, MONDO:0700269.
Hereditary cancer-predisposing syndrome. Also called: Tumor predisposition; Hereditary neoplastic syndrome; Neoplastic Syndromes, Hereditary; Hereditary Cancer Syndrome. Identifiers: Orphanet 140162, MedGen C0027672, MeSH D009386, MONDO:0015356.
Breast neoplasm. Also called: Neoplasm of breast; Breast tumor; Neoplasm of the breast; Breast Neoplasms. Identifiers: MedGen C1458155, MeSH D001943, MONDO:0021100, HP:0100013. Disease mechanism: gain of function.
Hereditary breast ovarian cancer syndrome. Also called: Hereditary breast and ovarian cancer; BRCA1- and BRCA2-Associated Hereditary Breast and Ovarian Cancer; Hereditary breast and/or ovarian cancer syndrome; Hereditary breast and ovarian cancer syndrome; Hereditary breast and ovarian cancer syndrome (HBOC); Breast and ovarian cancer. Identifiers: Orphanet 145, MedGen C0677776, MeSH D061325, MONDO:0003582. Disease mechanism: loss of function.
Breast-ovarian cancer, familial, susceptibility to, 2 (BROVCA2). Also called: BRCA2 Hereditary Breast and Ovarian Cancer. Identifiers: Orphanet 145, MedGen C2675520, MONDO:0012933, OMIM 612555. Disease mechanism: loss of function.
Familial cancer of breast. Also called: hereditary breast carcinoma; Hereditary breast cancer; BREAST CANCER, FAMILIAL. Identifiers: Orphanet 227535, MedGen C0346153, MONDO:0016419, OMIM 114480. Disease mechanism: loss of function.

Allele frequency attached by ClinVar (database versions not stated): ExAC 0.00001; gnomAD 0.00001; gnomAD exomes 0.00001; TOPMed 0.00001.
gnomAD v4.1: 4 of 1,613,696 alleles (0.00025%); highest among the groups gnomAD compares: East Asian, 0.0067%; no homozygotes.

Submissions (11):

Labcorp Genetics (formerly Invitae), Labcorp
Classification: Likely benign for Hereditary breast ovarian cancer syndrome. Last evaluated: 2026-01-27. Review status: criteria provided, single submitter. Criteria: Invitae Variant Classification Sherloc (09022015). Collection method: clinical testing. Allele origin: germline.

Ambry Genetics
Classification: Uncertain significance for Hereditary cancer-predisposing syndrome. Last evaluated: 2024-09-30. Review status: criteria provided, single submitter. Criteria: Ambry Variant Classification Scheme 2023. Collection method: clinical testing. Allele origin: germline.
Comment: The p.L1829F variant (also known as c.5487G>T), located in coding exon 10 of the BRCA2 gene, results from a G to T substitution at nucleotide position 5487. The leucine at codon 1829 is replaced by phenylalanine, an amino acid with highly similar properties. This alteration has been identified in individuals diagnosed with breast and/or ovarian cancer (Zhong X et al. PLoS ONE, 2016 Jun;11:e0156789; Luo Y et al. Int J Gen Med, 2022 Mar;15:2773-2786; Zhang Y et al. BMC Cancer, 2022 Aug;22:842). This variant was also observed in 1/3251 individuals who met eligibility criteria for hereditary breast and ovarian cancer syndrome (Lerner-Ellis J et al. J Cancer Res Clin Oncol, 2021 Mar;147:871-879). This amino acid position is poorly conserved in available vertebrate species. In addition, this alteration is predicted to be tolerated by in silico analysis. Based on the available evidence, the clinical significance of this variant remains unclear.

All of Us Research Program, National Institutes of Health
Classification: Uncertain significance for BRCA2-related cancer predisposition. Last evaluated: 2024-09-23. Review status: criteria provided, single submitter. Criteria: ACMG Guidelines, 2015. Collection method: clinical testing. Allele origin: germline. Inheritance: Autosomal dominant inheritance. Observed: 3 variant alleles, 3 heterozygotes.
Comment: This missense variant replaces leucine with phenylalanine at codon 1829 of the BRCA2 protein. Computational prediction suggests that this variant may not impact protein structure and function (internally defined REVEL score threshold <= 0.5, PMID: 27666373). To our knowledge, functional studies have not been reported for this variant. This variant has been reported in individuals affected with breast, pancreatic, or ovarian cancer (PMID: 27257965, 32885271, 33471991, 35300142). In a large breast cancer case-control meta analysis conducted by the BRIDGES consortium, this variant was reported in 2/60466 cases and 1/53461 unaffected controls, showing inconclusive association with disease (OR=1.768 (95%CI 0.16 to 19.503); p-value=1; Leiden Open Variation Database DB-ID BRCA2_003813) (PMID: 33471991). This variant has been identified in 4/282356 chromosomes in the general population by the Genome Aggregation Database (gnomAD). The available evidence is insufficient to determine the role of this variant in disease conclusively. Therefore, this variant is classified as a Variant of Uncertain Significance.

This study involves interpretation of variants in research participants for the purpose of population health screening. Participant phenotype was not available at the time of variant classification. Additional details can be found in publication PMID: 35346344, PMCID: PMC8962531

MGZ Medical Genetics Center
Classification: Likely benign for Familial cancer of breast. Last evaluated: 2024-02-09. Review status: criteria provided, single submitter. Criteria: CSpec BRCA1/2ACMG Rules Specifications V1.1.0. Collection method: clinical testing. Allele origin: germline. Affected: yes.
Comment: ACMG codes applied following ENIGMA VCEP rules: BP1_STR, BS1_SUP

Color Diagnostics, LLC DBA Color Health
Classification: Uncertain significance for Hereditary cancer-predisposing syndrome. Last evaluated: 2023-10-11. Review status: criteria provided, single submitter. Criteria: ACMG Guidelines, 2015. Collection method: clinical testing. Allele origin: germline.
Comment: This missense variant replaces leucine with phenylalanine at codon 1829 of the BRCA2 protein. Computational prediction suggests that this variant may not impact protein structure and function (internally defined REVEL score threshold <= 0.5, PMID: 27666373). To our knowledge, functional studies have not been reported for this variant. This variant has been reported in individuals affected with breast, pancreatic, or ovarian cancer (PMID: 27257965, 32885271, 33471991, 35300142). In a large breast cancer case-control meta analysis conducted by the BRIDGES consortium, this variant was reported in 2/60466 cases and 1/53461 unaffected controls, showing inconclusive association with disease (OR=1.768 (95%CI 0.16 to 19.503); p-value=1; Leiden Open Variation Database DB-ID BRCA2_003813) (PMID: 33471991). This variant has been identified in 4/282356 chromosomes in the general population by the Genome Aggregation Database (gnomAD). The available evidence is insufficient to determine the role of this variant in disease conclusively. Therefore, this variant is classified as a Variant of Uncertain Significance.

University of Washington Department of Laboratory Medicine, University of Washington
Classification: Likely benign for Hereditary cancer-predisposing syndrome. Last evaluated: 2023-03-23. Review status: criteria provided, single submitter. Criteria: Dines et al. (Genet Med. 2020). Collection method: curation. Allele origin: germline.
Comment: Missense variant in a coldspot region where missense variants are very unlikely to be pathogenic (PMID:31911673).

BRCA2 exon 11 coldspot. Reclassification based on statistical prior probability.

Women's Health and Genetics/Laboratory Corporation of America, LabCorp
Classification: Uncertain significance. Last evaluated: 2022-12-25. Review status: criteria provided, single submitter. Criteria: LabCorp Variant Classification Summary - May 2015. Collection method: clinical testing. Allele origin: germline.
Comment: Variant summary: BRCA2 c.5487G>T (p.Leu1829Phe) results in a non-conservative amino acid change in the encoded protein sequence. Four of five in-silico tools predict a benign effect of the variant on protein function. The variant allele was found at a frequency of 1.2e-05 in 250962 control chromosomes. The available data on variant occurrences in the general population are insufficient to allow any conclusion about variant significance. c.5487G>T has been reported in the literature as a VUS in at-least one individual affected with breast cancer (example, Zhong_2016). These report(s) do not provide unequivocal conclusions about association of the variant with Hereditary Breast And Ovarian Cancer Syndrome. To our knowledge, no experimental evidence demonstrating an impact on protein function has been reported. Five clinical diagnostic laboratories have submitted clinical-significance assessments for this variant to ClinVar after 2014 without evidence for independent evaluation. All laboratories classified the variant as uncertain significance. Based on the evidence outlined above, the variant was classified as uncertain significance.

Laboratory of Molecular Diagnosis of Cancer, West China Hospital, Sichuan University
Classification: Uncertain significance for Breast neoplasm. Last evaluated: 2015-11-01. Review status: criteria provided, single submitter. Criteria: ACMG Guidelines, 2015. Collection method: research. Allele origin: germline. Affected: yes. Observed: 1 variant allele.

GeneDx
Classification: Uncertain significance. Last evaluated: 2015-03-10. Review status: criteria provided, single submitter. Criteria: GeneDx Variant Classification (06012015). Collection method: clinical testing. Allele origin: germline. Affected: yes.
Comment: This variant is denoted BRCA2 c.5487G>T at the cDNA level, p.Leu1829Phe (L1829F) at the protein level, and results in the change of a Leucine to a Phenylalanine (TTG>TTT). Using alternate nomenclature, this variant would be defined as BRCA2 5715G>T. This variant has not, to our knowledge, been published in the literature as either a germline pathogenic variant or a benign polymorphism. However, this variant has been reported as a somatic variant in a breast tumor (Harismendy 2013). BRCA2 Leu1829Phe was not observed in approximately 6,500 individuals of European and African American ancestry in the NHLBI Exome Sequencing Project, indicating it is not a common benign variant in these populations. Since Leucine and Phenylalanine share similar properties, this is considered a conservative amino acid substitution. BRCA2 Leu1829Phe occurs at a position that is not conserved across species and is not located in a known functional domain (UniProt). In silico analyses predict that this variant is unlikely to alter protein structure or function. Based on currently available information, it is unclear whether BRCA2 Leu1829Phe is pathogenic or benign. We consider it to be a variant of uncertain significance.

Center for Precision Medicine, Meizhou People's Hospital
Classification: Uncertain significance for Familial cancer of breast. Review status: no assertion criteria provided. Collection method: literature only. Allele origin: germline. Affected: yes. Not counted in ClinVar's aggregate classification.

Department of Pathology and Laboratory Medicine, Sinai Health System
Classification: Uncertain significance for Breast-ovarian cancer, familial, susceptibility to, 2. Review status: no assertion criteria provided. Collection method: clinical testing. Allele origin: unknown. Affected: yes. Study: The Canadian Open Genetics Repository (COGR). Not counted in ClinVar's aggregate classification.
Comment: The BRCA2 p.Leu1829Phe variant was identified in 2 of 1090 proband chromosomes (frequency: 0.002) from individuals with breast cancer and tumour DNA samples (Zhong 2016, Harismendy 2013). The variant was identified in dbSNP (rs779967765) as â€šÃ„Ãºwith likely benign, uncertain significance alleleâ€šÃ„Ã¹, ClinVar (classified as uncertain significance by Invitae, Ambry Genetics, GeneDx, Color and Sichuan University) and LOVD 3.0 (observed 2x). The variant was not identified in UMD-LSDB. The variant was identified in control databases in 4 of 282,356 chromosomes at a frequency of 0.00001 (Genome Aggregation Database Feb 27, 2017). The variant was observed in the East Asian population in 4 of 19,950 chromosomes (freq: 0.0002); it was not observed in the African, Latino, Ashkenazi Jewish, Finnish, European, Other or South Asian populations. The p.Leu1829 residue is not conserved in mammals and computational analyses (PolyPhen-2, SIFT, AlignGVGD, BLOSUM, MutationTaster) do not suggest a high likelihood of impact to the protein; however, this information is not predictive enough to rule out pathogenicity. The variant occurs outside of the splicing consensus sequence and in silico or computational prediction software programs (SpliceSiteFinder, MaxEntScan, NNSPLICE, GeneSplicer) do not predict a difference in splicing. In summary, based on the above information, the clinical significance of this variant cannot be determined with certainty at this time. This variant is classified as a variant of uncertain significance.

Literature cited by the submitters: PubMed 27257965 (cited by 6 submitters); PubMed 32885271 (cited by 3 submitters); PubMed 35300142 (cited by 3 submitters); PubMed 35918668 (cited by Ambry Genetics); PubMed 33471991 (cited by All of Us Research Program, National Institutes of Health and Color Diagnostics, LLC DBA Color Health).